The following is an entry in ClinVar:

NM_001852.4(COL9A2):c.557C>T (p.Pro186Leu)

Gene: COL9A2 (collagen type IX alpha 2 chain; minus strand). Cytogenetic location: 1p34.2.
Variant type: single nucleotide variant.
Coding change: c.557C>T on transcript NM_001852.4 (MANE Select); coding-DNA position 557, C replaced by T.
Protein change: p.Pro186Leu; replaces proline 186 with leucine.
Molecular consequence: missense variant.
Genome position (GRCh38, 1-based): chr1:40,311,249, G>A on the plus strand (C>T on the coding strand, the complement: COL9A2 is on the minus strand). VCF-style: chr1-40311249-G-A. GRCh37 (hg19) VCF-style: chr1-40776921-G-A.
Other names: short protein forms P186L.
Identifiers: ClinVar variation 1346129 (VCV001346129.8), dbSNP rs1377296737, ClinGen allele CA339855915.

ClinVar aggregate classification (germline): Uncertain significance (1 of 4 stars; one submission).

gnomAD v4.1: 2 of 1,614,122 alleles (0.00012%); highest among the groups gnomAD compares: Non-Finnish European, 0.00017%; no homozygotes.

Submission:

Labcorp Genetics (formerly Invitae), Labcorp
Classification: Uncertain significance. Last evaluated: 2021-04-17. Review status: criteria provided, single submitter. Criteria: Invitae Variant Classification Sherloc (09022015). Collection method: clinical testing. Allele origin: germline.
Comment: This sequence change replaces proline with leucine at codon 186 of the COL9A2 protein (p.Pro186Leu). The proline residue is moderately conserved and there is a moderate physicochemical difference between proline and leucine. In summary, the available evidence is currently insufficient to determine the role of this variant in disease. Therefore, it has been classified as a Variant of Uncertain Significance. Advanced modeling of protein sequence and biophysical properties (such as structural, functional, and spatial information, amino acid conservation, physicochemical variation, residue mobility, and thermodynamic stability) performed at Invitae indicates that this missense variant is not expected to disrupt COL9A2 protein function. This variant has not been reported in the literature in individuals with COL9A2-related conditions. This variant is not present in population databases (ExAC no frequency).